The following is an entry in ClinVar:

NM_024529.5(CDC73):c.*2085G>C

Gene: CDC73 (cell division cycle 73; plus strand). Cytogenetic location: 1q31.2.
Variant type: single nucleotide variant.
Coding change: c.*2085G>C on transcript NM_024529.5 (MANE Select); 2085 bases downstream of the stop codon, G replaced by C.
Molecular consequence: 3 prime UTR variant.
Genome position (GRCh38, 1-based): chr1:193,252,797, G>C. VCF-style: chr1-193252797-G-C. GRCh37 (hg19) VCF-style: chr1-193221927-G-C.
Identifiers: ClinVar variation 294445 (VCV000294445.5), dbSNP rs150030810, ClinGen allele CA10609217.

ClinVar aggregate classification (germline): Benign/Likely benign. Review status: criteria provided, single submitter (1 of 4 stars). 3 submissions from 1 submitter: Benign (2); Likely benign (1). Last evaluated 2018-01-13.

Conditions:
Hyperparathyroidism 1 (HRPT1). Also called: HYPERPARATHYROIDISM, FAMILIAL ISOLATED PRIMARY. Identifiers: Orphanet 99879, MedGen C1840402, MONDO:0007767, OMIM 145000.
Parathyroid carcinoma (PRTC). Also called: Parathyroid gland carcinoma; CDC73-Related Parathyroid Carcinoma. Identifiers: Orphanet 143, MedGen C0687150, MONDO:0012004, OMIM 608266, HP:0006780.
Hyperparathyroidism 2 with jaw tumors. Also called: Hyperparathyroidism 2; HYPERPARATHYROIDISM, FAMILIAL PRIMARY, WITH MULTIPLE OSSIFYING JAW FIBROMAS; HYPERPARATHYROIDISM-JAW TUMOR SYNDROME, HEREDITARY; Hyperparathyroidism-Jaw Tumor Syndrome. Identifiers: Orphanet 99880, MedGen C1704981, MONDO:0007768, OMIM 145001.

Allele frequency attached by ClinVar (database versions not stated): gnomAD exomes 0.00075; 1000 Genomes Project 0.00180; gnomAD 0.00212 and 0.00217; TOPMed 0.00221; 1000 Genomes Project 30x 0.00250.
gnomAD v4.1: 387 of 231,734 alleles (0.17%); highest among the groups gnomAD compares: African/African-American, 0.66%; 2 homozygotes.

Submissions (3):

Illumina Laboratory Services, Illumina
Classification: Likely benign for Hyperparathyroidism 1. Last evaluated: 2018-01-13. Review status: criteria provided, single submitter. Criteria: ICSL Variant Classification Criteria 13 December 2019. Collection method: clinical testing. Allele origin: germline.
Comment: This variant was observed in the ICSL laboratory as part of a predisposition screen in an ostensibly healthy population. It had not been previously curated by ICSL or reported in the Human Gene Mutation Database (HGMD: prior to June 1st, 2018), and was therefore a candidate for classification through an automated scoring system. Utilizing variant allele frequency, disease prevalence and penetrance estimates, and inheritance mode, an automated score was calculated to assess if this variant is too frequent to cause the disease. Based on the score and internal cut-off values, a variant classified as likely benign is not then subjected to further curation. The score for this variant resulted in a classification of likely benign for this disease.

Illumina Laboratory Services, Illumina
Classification: Benign for Parathyroid carcinoma. Last evaluated: 2018-01-13. Review status: criteria provided, single submitter. Criteria: ICSL Variant Classification Criteria 13 December 2019. Collection method: clinical testing. Allele origin: germline.
Comment: This variant was observed in the ICSL laboratory as part of a predisposition screen in an ostensibly healthy population. It had not been previously curated by ICSL or reported in the Human Gene Mutation Database (HGMD: prior to June 1st, 2018), and was therefore a candidate for classification through an automated scoring system. Utilizing variant allele frequency, disease prevalence and penetrance estimates, and inheritance mode, an automated score was calculated to assess if this variant is too frequent to cause the disease. Based on the score and internal cut-off values, a variant classified as benign is not then subjected to further curation. The score for this variant resulted in a classification of benign for this disease.

Illumina Laboratory Services, Illumina
Classification: Benign for Hyperparathyroidism 2 with jaw tumors. Last evaluated: 2018-01-13. Review status: criteria provided, single submitter. Criteria: ICSL Variant Classification Criteria 13 December 2019. Collection method: clinical testing. Allele origin: germline.
Comment: the same text as in the submission from Illumina Laboratory Services, Illumina above.